The following is an entry in ClinVar:

ClinVar aggregate classification (germline): Likely pathogenic (1 of 4 stars; one submission).

Conditions:
Spondyloperipheral dysplasia. Also called: Spondyloperipheral dysplasia-short ulna syndrome; SPONDYLOPERIPHERAL DYSPLASIA WITH SHORT ULNA. Identifiers: Orphanet 1856, MedGen C0796173, MONDO:0010078, OMIM 271700.

Submission:

Women's Health and Genetics/Laboratory Corporation of America, LabCorp
Classification: Likely pathogenic for Spondyloperipheral dysplasia. Last evaluated: 2022-01-19. Review status: criteria provided, single submitter. Criteria: LabCorp Variant Classification Summary - May 2015. Collection method: clinical testing. Allele origin: germline.
Comment: Variant summary: COL2A1 c.3887-2A>G is located in a canonical splice-site and is predicted to affect mRNA splicing resulting in a significantly altered protein due to either exon skipping, shortening, or inclusion of intronic material. Several computational tools predict a significant impact on normal splicing: Four predict the variant abolishes a canonical 3' acceptor site. However, these predictions have yet to be confirmed by functional studies. The variant was absent in 250968 control chromosomes (gnomAD). c.3887-2A>G has been reported in the literature in at least three individuals affected with spondyloperipheral dysplasia (example: Nishimura_2005). These data indicate that the variant may be associated with disease. To our knowledge, no experimental evidence demonstrating an impact on protein function has been reported. No clinical diagnostic laboratories have submitted clinical-significance assessments for this variant to ClinVar after 2014. Based on the evidence outlined above, the variant was classified as likely pathogenic.

Literature cited by the submitters: PubMed 15895462.

NM_001844.5(COL2A1):c.3887-2A>G

Gene: COL2A1 (collagen type II alpha 1 chain; minus strand). Cytogenetic location: 12q13.11.
Variant type: single nucleotide variant.
Coding change: c.3887-2A>G on transcript NM_001844.5 (MANE Select); the canonical splice acceptor site of the intron before coding-DNA position 3887, A replaced by G.
Molecular consequence: splice acceptor variant.
Genome position (GRCh38, 1-based): chr12:47,974,864, T>C on the plus strand (A>G on the coding strand, the complement: COL2A1 is on the minus strand). VCF-style: chr12-47974864-T-C. GRCh37 (hg19) VCF-style: chr12-48368647-T-C.
Other names: c.3680-2A>G (NM_033150.3).
Identifiers: ClinVar variation 1339718 (VCV001339718.2), dbSNP rs2136508967, ClinGen allele CA384536236.